The following is an entry in ClinVar:

NM_152296.5(ATP1A3):c.2798C>T (p.Ser933Leu)

Gene: ATP1A3 (ATPase Na+/K+ transporting subunit alpha 3; minus strand). Cytogenetic location: 19q13.2.
Variant type: single nucleotide variant.
Coding change: c.2798C>T on transcript NM_152296.5 (MANE Select); coding-DNA position 2798, C replaced by T.
Protein change: p.Ser933Leu; replaces serine 933 with leucine.
Molecular consequence: missense variant.
Genome position (GRCh38, 1-based): chr19:41,968,806, G>A on the plus strand (C>T on the coding strand, the complement: ATP1A3 is on the minus strand). VCF-style: chr19-41968806-G-A. GRCh37 (hg19) VCF-style: chr19-42472958-G-A.
Other names: c.2831C>T, p.Ser944Leu (NM_001256213.2); c.2837C>T, p.Ser946Leu (NM_001256214.2); short protein forms S933L, S944L, S946L.
Identifiers: ClinVar variation 1516166 (VCV001516166.6), dbSNP rs2145944540, ClinGen allele CA406035837.

ClinVar aggregate classification (germline): Uncertain significance (1 of 4 stars; one submission).

Conditions:
Dystonia 12 (DYT12). Also called: DYT-ATP1A3; Rapid-Onset Dystonia-Parkinsonism (RDP). Identifiers: Orphanet 71517, MedGen C1868681, MONDO:0007496, OMIM 128235.

Submission:

Labcorp Genetics (formerly Invitae), Labcorp
Classification: Uncertain significance for Dystonia 12. Last evaluated: 2022-08-16. Review status: criteria provided, single submitter. Criteria: Invitae Variant Classification Sherloc (09022015). Collection method: clinical testing. Allele origin: germline.
Comment: This sequence change replaces serine, which is neutral and polar, with leucine, which is neutral and non-polar, at codon 933 of the ATP1A3 protein (p.Ser933Leu). In summary, the available evidence is currently insufficient to determine the role of this variant in disease. Therefore, it has been classified as a Variant of Uncertain Significance. Advanced modeling of protein sequence and biophysical properties (such as structural, functional, and spatial information, amino acid conservation, physicochemical variation, residue mobility, and thermodynamic stability) performed at Invitae indicates that this missense variant is expected to disrupt ATP1A3 protein function. ClinVar contains an entry for this variant (Variation ID: 1516166). This variant has not been reported in the literature in individuals affected with ATP1A3-related conditions. This variant is not present in population databases (gnomAD no frequency).